The following is an entry in ClinVar:

ClinVar aggregate classification (germline): Uncertain significance (1 of 4 stars; one submission).

Submission:

Labcorp Genetics (formerly Invitae), Labcorp
Classification: Uncertain significance. Last evaluated: 2022-09-24. Review status: criteria provided, single submitter. Criteria: Invitae Variant Classification Sherloc (09022015). Collection method: clinical testing. Allele origin: germline.
Comment: This sequence change replaces alanine, which is neutral and non-polar, with threonine, which is neutral and polar, at codon 252 of the PLS3 protein (p.Ala252Thr). This variant is not present in population databases (gnomAD no frequency). This variant has not been reported in the literature in individuals affected with PLS3-related conditions. Advanced modeling of protein sequence and biophysical properties (such as structural, functional, and spatial information, amino acid conservation, physicochemical variation, residue mobility, and thermodynamic stability) performed at Invitae indicates that this missense variant is not expected to disrupt PLS3 protein function. In summary, the available evidence is currently insufficient to determine the role of this variant in disease. Therefore, it has been classified as a Variant of Uncertain Significance.

NM_005032.7(PLS3):c.754G>A (p.Ala252Thr)

Gene: PLS3 (plastin 3; plus strand). Cytogenetic location: Xq23.
Variant type: single nucleotide variant.
Coding change: c.754G>A on transcript NM_005032.7 (MANE Select); coding-DNA position 754, G replaced by A.
Protein change: p.Ala252Thr; replaces alanine 252 with threonine.
Molecular consequence: missense variant.
Genome position (GRCh38, 1-based): chrX:115,636,841, G>A. VCF-style: chrX-115636841-G-A. GRCh37 (hg19) VCF-style: chrX-114871153-G-A.
Other names: c.754G>A, p.Ala252Thr (NM_001136025.5); c.673G>A, p.Ala225Thr (NM_001172335.3); c.688G>A, p.Ala230Thr (NM_001282337.2); c.619G>A, p.Ala207Thr (NM_001282338.2); short protein forms A207T, A252T, A225T, A230T.
Identifiers: ClinVar variation 2032414 (VCV002032414.4), dbSNP rs2521470451, ClinGen allele CA414334268.
Genomic context (GRCh38, chrX:115,636,841, plus strand): 5'-CATGACCATTATTGTGTCATATAATAACTGTGGGATTTTTTTTTTTTTCTTCTAGCCTTG[G>A]CTGCTTTACTCCGAGATGGTGAGACTTTGGAGGAACTTATGAAATTGTCTCCAGAAGAGC-3'
Protein context (NP_005023.2, residues 242-262): DIELSRNEAL[Ala252Thr]ALLRDGETLE